The following is an entry in ClinVar:

ClinVar aggregate classification (germline): Uncertain significance (1 of 4 stars; one submission).

Conditions:
Angelman syndrome-like. Identifiers: MedGen CN128785.
Developmental and epileptic encephalopathy, 2 (DEE2). Also called: INFANTILE SPASM SYNDROME, X-LINKED 2; CDKL5 deficiency disorder. Identifiers: Orphanet 1934, Orphanet 3451, Orphanet 505652, MedGen C4750718, MONDO:0010396, OMIM 300672.

Allele frequency attached by ClinVar (database versions not stated): gnomAD exomes 0.00001; TOPMed 0.00002.
gnomAD v4.1: 30 of 1,209,542 alleles (0.0025%); highest among the groups gnomAD compares: African/African-American, 0.0035%; no homozygotes.

Submission:

Labcorp Genetics (formerly Invitae), Labcorp
Classification: Uncertain significance for Developmental and epileptic encephalopathy, 2; Angelman syndrome-like. Last evaluated: 2025-12-16. Review status: criteria provided, single submitter. Criteria: Invitae Variant Classification Sherloc (09022015). Collection method: clinical testing. Allele origin: germline.
Comment: This sequence change replaces glycine, which is neutral and non-polar, with serine, which is neutral and polar, at codon 906 of the CDKL5 protein (p.Gly906Ser). The frequency data for this variant in the population databases is considered unreliable, as metrics indicate poor data quality at this position in the gnomAD database. This missense change has been observed in individual(s) with clinical features of CDKL5-related conditions (PMID: 29264392). ClinVar contains an entry for this variant (Variation ID: 464816). An algorithm developed to predict the effect of missense changes on protein structure and function outputs the following: PolyPhen-2: "Possibly Damaging". The serine amino acid residue is found in multiple mammalian species, which suggests that this missense change does not adversely affect protein function. In summary, the available evidence is currently insufficient to determine the role of this variant in disease. Therefore, it has been classified as a Variant of Uncertain Significance.

Literature cited by the submitters: PubMed 29264392.

NC_000023.11:g.18646009G>A

Genes: CDKL5 (cyclin dependent kinase like 5; plus strand), RS1 (retinoschisin 1; minus strand). Cytogenetic location: Xp22.13.
Variant type: single nucleotide variant.
Molecular consequence: intron variant (on NM_000330.4). On other transcripts: missense variant (2).
Genome position: GRCh38 VCF-style: chrX-18646009-G-A. GRCh37 (hg19) VCF-style: chrX-18664129-G-A.
Other names: c.2716G>A, p.Gly906Ser (NM_001037343.2, NM_003159.3); c.326+1182C>T (NM_000330.4); short protein forms G906S.
Identifiers: ClinVar variation 464816 (VCV000464816.10), dbSNP rs369009993, ClinGen allele CA10360663.